The following is an entry in ClinVar:

NM_000383.4(AIRE):c.1613G>A (p.Arg538His)

Gene: AIRE (autoimmune regulator; plus strand). Cytogenetic location: 21q22.3.
Variant type: single nucleotide variant.
Coding change: c.1613G>A on transcript NM_000383.4 (MANE Select); coding-DNA position 1613, G replaced by A.
Protein change: p.Arg538His; replaces arginine 538 with histidine.
Molecular consequence: missense variant.
Genome position (GRCh38, 1-based): chr21:44,297,702, G>A. VCF-style: chr21-44297702-G-A. GRCh37 (hg19) VCF-style: chr21-45717585-G-A.
Other names: short protein forms R538H.
Identifiers: ClinVar variation 2071387 (VCV002071387.3), dbSNP rs781319471, ClinGen allele CA10052227.

ClinVar aggregate classification (germline): Uncertain significance (1 of 4 stars; one submission).

Conditions:
Polyglandular autoimmune syndrome, type 1 (APS1). Also called: Whitaker syndrome; AUTOIMMUNE POLYENDOCRINE SYNDROME, TYPE I, WITH OR WITHOUT REVERSIBLE METAPHYSEAL DYSPLASIA; APS I; Autoimmune polyendocrine syndrome type 1; Autoimmune polyendocrinopathy syndrome , type I, with or without reversible metaphyseal dysplasia; PGA I. Identifiers: Orphanet 3453, MedGen C0085859, MONDO:0009411, OMIM 240300.

Allele frequency attached by ClinVar (database versions not stated): ExAC 0.00002; gnomAD 0.00002; gnomAD exomes 0.00003; TOPMed 0.00003.

Submission:

Labcorp Genetics (formerly Invitae), Labcorp
Classification: Uncertain significance for Polyglandular autoimmune syndrome, type 1. Last evaluated: 2025-09-22. Review status: criteria provided, single submitter. Criteria: Invitae Variant Classification Sherloc (09022015). Collection method: clinical testing. Allele origin: germline.
Comment: This sequence change replaces arginine, which is basic and polar, with histidine, which is basic and polar, at codon 538 of the AIRE protein (p.Arg538His). This variant is present in population databases (rs781319471, gnomAD 0.007%). This variant has not been reported in the literature in individuals affected with AIRE-related conditions. ClinVar contains an entry for this variant (Variation ID: 2071387). Invitae Evidence Modeling of protein sequence and biophysical properties (such as structural, functional, and spatial information, amino acid conservation, physicochemical variation, residue mobility, and thermodynamic stability) indicates that this missense variant is expected to disrupt AIRE protein function with a positive predictive value of 95%. In summary, the available evidence is currently insufficient to determine the role of this variant in disease. Therefore, it has been classified as a Variant of Uncertain Significance.